The following is an entry in ClinVar:

ClinVar aggregate classification (germline): Benign/Likely benign. Review status: criteria provided, multiple submitters, no conflicts (2 of 4 stars). 3 submissions from 3 submitters: Benign (1); Likely benign (2). Last evaluated 2025-12-20.

Conditions:
Familial adenomatous polyposis 1 (FAP1). Also called: FAMILIAL ADENOMATOUS POLYPOSIS 1, ATTENUATED; POLYPOSIS, ADENOMATOUS INTESTINAL. Identifiers: MedGen C2713442, MONDO:0021056, OMIM 175100. Disease mechanism: loss of function.
Hereditary cancer-predisposing syndrome. Also called: Tumor predisposition; Neoplastic Syndromes, Hereditary; Hereditary Cancer Syndrome; Hereditary neoplastic syndrome. Identifiers: Orphanet 140162, MedGen C0027672, MeSH D009386, MONDO:0015356.

Submissions (3):

Ambry Genetics
Classification: Likely benign for Hereditary cancer-predisposing syndrome. Last evaluated: 2025-12-20. Review status: criteria provided, single submitter. Criteria: Ambry Variant Classification Scheme 2023. Collection method: clinical testing. Allele origin: germline.

Myriad Genetics, Inc.
Classification: Benign for Familial adenomatous polyposis 1. Last evaluated: 2024-03-28. Review status: criteria provided, single submitter. Criteria: Myriad Autosomal Dominant, Autosomal Recessive and X-Linked Classification Criteria (2023). Collection method: clinical testing. Allele origin: unknown.
Comment: This variant is considered benign. This variant is a silent/synonymous amino acid change and it is not expected to impact splicing.

Labcorp Genetics (formerly Invitae), Labcorp
Classification: Likely benign for Familial adenomatous polyposis 1. Last evaluated: 2023-05-16. Review status: criteria provided, single submitter. Criteria: Invitae Variant Classification Sherloc (09022015). Collection method: clinical testing. Allele origin: germline.

NM_000038.6(APC):c.4870T>C (p.Leu1624=)

Gene: APC (APC regulator of Wnt signaling pathway; plus strand). Cytogenetic location: 5q22.2.
Variant type: single nucleotide variant.
Coding change: c.4870T>C on transcript NM_000038.6 (MANE Select); coding-DNA position 4870, T replaced by C.
Protein change: p.Leu1624=; no amino-acid change (leucine 1624 retained).
Molecular consequence: synonymous variant. On other transcripts: non-coding transcript variant (2).
Genome position (GRCh38, 1-based): chr5:112,840,464, T>C. VCF-style: chr5-112840464-T-C. GRCh37 (hg19) VCF-style: chr5-112176161-T-C.
Other names: c.4870T>C (NM_000038.5); c.4870T>C, p.Leu1624= (NM_001127510.3, NM_001354895.2, NM_001407450.1); c.4816T>C, p.Leu1606= (NM_001127511.3); c.4924T>C, p.Leu1642= (NM_001354896.2, NM_001407447.1, NM_001407448.1 and 1 more transcripts); c.4900T>C, p.Leu1634= (NM_001354897.2); c.4795T>C, p.Leu1599= (NM_001354898.2); c.4786T>C, p.Leu1596= (NM_001354899.2); c.4747T>C, p.Leu1583= (NM_001354900.2); and 12 more.
Identifiers: ClinVar variation 2802339 (VCV002802339.5), dbSNP rs2149926015, ClinGen allele CA446208099.